The following is an entry in ClinVar:

ClinVar aggregate classification (germline): Likely pathogenic (1 of 4 stars; one submission).

Submission:

GeneDx
Classification: Likely pathogenic. Last evaluated: 2015-07-22. Review status: criteria provided, single submitter. Criteria: GeneDx Variant Classification (06012015). Collection method: clinical testing. Allele origin: germline. Affected: yes.
Comment: The W94R variant in the SMARCE1 gene has not been published as a pathogenic variant, nor has it been reported as a benign polymorphism to our knowledge. The W94R variant was not observed in approximately 6500 individuals of European and African American ancestry in the NHLBI Exome Sequencing Project, indicating it is not a common benign variant in these populations. The W94R variant is a non-conservative amino acid substitution, which is likely to impact secondary protein structure as these residues differ in polarity, charge, size and/or other properties. This substitution occurs at a position within the HMG box binding domain that is conserved across species. In silico analysis predicts this variant is probably damaging to the protein structure/function. A missense variant in a nearby residue (R105Q) has been reported in the Human Gene Mutation Database in association with Coffin-Siris syndrome (Stenson et al., 2014), supporting the functional importance of this region of the protein. The W94R variant is a strong candidate for a disease-causing variant, however the possibility it may be a rare benign variant cannot be excluded.

NM_003079.5(SMARCE1):c.280T>C (p.Trp94Arg)

Gene: SMARCE1 (SWI/SNF related, matrix associated, actin dependent regulator of chromatin, subfamily e, member 1; minus strand). Cytogenetic location: 17q21.2.
Variant type: single nucleotide variant.
Coding change: c.280T>C on transcript NM_003079.5 (MANE Select); coding-DNA position 280, T replaced by C.
Protein change: p.Trp94Arg; replaces tryptophan 94 with arginine.
Molecular consequence: missense variant.
Genome position (GRCh38, 1-based): chr17:40,636,484, A>G on the plus strand (T>C on the coding strand, the complement: SMARCE1 is on the minus strand). VCF-style: chr17-40636484-A-G. GRCh37 (hg19) VCF-style: chr17-38792736-A-G.
Other names: short protein forms W94R.
Identifiers: ClinVar variation 427050 (VCV000427050.2), dbSNP rs1085307924, ClinGen allele CA399367413.